The following is an entry in ClinVar:

ClinVar aggregate classification (germline): Likely benign. Review status: criteria provided, multiple submitters, no conflicts (2 of 4 stars). 2 submissions from 2 submitters: Likely benign (2). Last evaluated 2017-04-27.

Conditions:
Cerebral arteriopathy, autosomal dominant, with subcortical infarcts and leukoencephalopathy, type 1 (CADASIL1). Also called: CADASIL 1; Cerebral arteriopathy with subcortical infarcts and leukoencephalopathy 1; CASIL; DEMENTIA, HEREDITARY MULTIINFARCT TYPE. Identifiers: Orphanet 136, MedGen C4551768, MONDO:0000914, OMIM 125310.

Allele frequency attached by ClinVar (database versions not stated): 1000 Genomes Project 0.01098; 1000 Genomes Project 30x 0.01249; gnomAD 0.03484 and 0.03615; gnomAD exomes 0.03793; TOPMed 0.03240.

Submissions (2):

Illumina Laboratory Services, Illumina
Classification: Likely benign for Cerebral arteriopathy, autosomal dominant, with subcortical infarcts and leukoencephalopathy, type 1. Last evaluated: 2017-04-27. Review status: criteria provided, single submitter. Criteria: ICSL Variant Classification Criteria 13 December 2019. Collection method: clinical testing. Allele origin: germline.
Comment: This variant was observed as part of a predisposition screen in an ostensibly healthy population. A literature search was performed for the gene, cDNA change, and amino acid change (where applicable). No publications were found based on this search. Allele frequency data from public databases allowed determination this variant is unlikely to cause disease. Therefore, this variant is classified as likely benign.

Breakthrough Genomics
Classification: Likely benign. Review status: criteria provided, single submitter. Criteria: ACMG Guidelines, 2015. Collection method: not provided. Allele origin: germline. Inheritance: Autosomal dominant inheritance. Affected: yes.

NM_000435.3(NOTCH3):c.*563T>C

Gene: NOTCH3 (notch receptor 3; minus strand). Cytogenetic location: 19p13.12.
Variant type: single nucleotide variant.
Coding change: c.*563T>C on transcript NM_000435.3 (MANE Select); 563 bases downstream of the stop codon, T replaced by C.
Molecular consequence: 3 prime UTR variant.
Genome position (GRCh38, 1-based): chr19:15,160,099, A>G on the plus strand (T>C on the coding strand, the complement: NOTCH3 is on the minus strand). VCF-style: chr19-15160099-A-G. GRCh37 (hg19) VCF-style: chr19-15270910-A-G.
Identifiers: ClinVar variation 328363 (VCV000328363.6), dbSNP rs77669983, ClinGen allele CA10642370.